The following is an entry in ClinVar:

ClinVar aggregate classification (germline): Uncertain significance. Review status: criteria provided, multiple submitters, no conflicts (2 of 4 stars). 2 submissions from 2 submitters: Uncertain significance (2). Last evaluated 2024-04-24.

Conditions:
Inborn genetic diseases. Identifiers: MedGen C0950123, MeSH D030342.
ALG12-congenital disorder of glycosylation (CDG1G). Also called: ALG12-CDG; Congenital disorder of glycosylation, type Ig; CDG Ig. Identifiers: Orphanet 79324, MedGen C2931001, MONDO:0011783, OMIM 607143.

Allele frequency attached by ClinVar (database versions not stated): ExAC 0.00002; gnomAD 0.00003; gnomAD exomes 0.00003; TOPMed 0.00004.
gnomAD v4.1: 35 of 1,613,922 alleles (0.0022%); highest among the groups gnomAD compares: South Asian, 0.0099%; no homozygotes.

Submissions (2):

Ambry Genetics
Classification: Uncertain significance for Inborn genetic diseases. Last evaluated: 2024-04-24. Review status: criteria provided, single submitter. Criteria: Ambry Variant Classification Scheme 2023. Collection method: clinical testing. Allele origin: germline.

Labcorp Genetics (formerly Invitae), Labcorp
Classification: Uncertain significance for ALG12-congenital disorder of glycosylation. Last evaluated: 2021-08-31. Review status: criteria provided, single submitter. Criteria: Invitae Variant Classification Sherloc (09022015). Collection method: clinical testing. Allele origin: germline.
Comment: This sequence change replaces arginine with tryptophan at codon 486 of the ALG12 protein (p.Arg486Trp). The arginine residue is weakly conserved and there is a moderate physicochemical difference between arginine and tryptophan. This variant is present in population databases (rs745477655, ExAC 0.006%). This variant has not been reported in the literature in individuals affected with ALG12-related conditions. Algorithms developed to predict the effect of missense changes on protein structure and function (SIFT, PolyPhen-2, Align-GVGD) all suggest that this variant is likely to be tolerated. In summary, the available evidence is currently insufficient to determine the role of this variant in disease. Therefore, it has been classified as a Variant of Uncertain Significance.

NM_024105.4(ALG12):c.1456C>T (p.Arg486Trp)

Gene: ALG12 (ALG12 alpha-1,6-mannosyltransferase; minus strand). Cytogenetic location: 22q13.33.
Variant type: single nucleotide variant.
Coding change: c.1456C>T on transcript NM_024105.4 (MANE Select); coding-DNA position 1456, C replaced by T.
Protein change: p.Arg486Trp; replaces arginine 486 with tryptophan.
Molecular consequence: missense variant.
Genome position (GRCh38, 1-based): chr22:49,903,849, G>A on the plus strand (C>T on the coding strand, the complement: ALG12 is on the minus strand). VCF-style: chr22-49903849-G-A. GRCh37 (hg19) VCF-style: chr22-50297497-G-A.
Other names: c.1456C>T (NM_024105.3); short protein forms R486W.
Identifiers: ClinVar variation 1480799 (VCV001480799.6), dbSNP rs745477655, ClinGen allele CA10300211.
Genomic context (GRCh38, chr22:49,903,849, plus strand): 5'-ATAACAGCTCCTGGAAGGCCTGTGGCTGCTGAGGGCTGCCTGGTCCCCCTCAGGACGGCC[G>A]GGGGAGCCTCTCCAGAAGCACCAGCTTTGTCTGCAGGTGGACGTTGAAGGGGGGCAGTTG-3'
Protein context (NP_077010.1, residues 476-488): TKLVLLERLP[Arg486Trp]PS